The following is an entry in ClinVar:

NM_001267550.2(TTN):c.103172C>G (p.Pro34391Arg)

Genes: TTN (titin; minus strand), TTN-AS1 (TTN antisense RNA 1; plus strand). Cytogenetic location: 2q31.2.
Variant type: single nucleotide variant.
Coding change: c.103172C>G on transcript NM_001267550.2 (MANE Select); coding-DNA position 103172, C replaced by G.
Protein change: p.Pro34391Arg; replaces proline 34391 with arginine.
Molecular consequence: missense variant.
Genome position (GRCh38, 1-based): chr2:178,533,443, G>C on the plus strand (C>G on the coding strand, the complement: TTN is on the minus strand). VCF-style: chr2-178533443-G-C. GRCh37 (hg19) VCF-style: chr2-179398170-G-C.
Other names: c.98249C>G, p.Pro32750Arg (NM_001256850.1); c.75977C>G, p.Pro25326Arg (NM_003319.4); c.95468C>G, p.Pro31823Arg (NM_133378.4); c.76352C>G, p.Pro25451Arg (NM_133432.3); c.76553C>G, p.Pro25518Arg (NM_133437.4); short protein forms P25326R, P34391R, P25451R, P25518R, P31823R, P32750R.
Identifiers: ClinVar variation 4792982 (VCV004792982.1).

ClinVar aggregate classification (germline): Uncertain significance (1 of 4 stars; one submission).

Conditions:
Autosomal recessive limb-girdle muscular dystrophy type 2J (LGMDR10). Also called: MUSCULAR DYSTROPHY, LIMB-GIRDLE, AUTOSOMAL RECESSIVE 10; Limb-girdle muscular dystrophy, type 2J. Identifiers: Orphanet 140922, MedGen C1837342, MONDO:0012127, OMIM 608807.
Dilated cardiomyopathy 1G (CMD1G). Identifiers: Orphanet 154, MedGen C1858763, MONDO:0011400, OMIM 604145.

gnomAD v4.1: 4 of 1,613,718 alleles (0.00025%); highest among the groups gnomAD compares: Admixed American, 0.0017%; no homozygotes.

Submission:

Labcorp Genetics (formerly Invitae), Labcorp
Classification: Uncertain significance for Dilated cardiomyopathy 1G; Autosomal recessive limb-girdle muscular dystrophy type 2J. Last evaluated: 2025-04-11. Review status: criteria provided, single submitter. Criteria: Invitae Variant Classification Sherloc (09022015). Collection method: clinical testing. Allele origin: germline.
Comment: This sequence change replaces proline, which is neutral and non-polar, with arginine, which is basic and polar, at codon 34391 of the TTN protein (p.Pro34391Arg). This variant is present in population databases (rs775343253, gnomAD 0.003%). This variant has not been reported in the literature in individuals affected with TTN-related conditions. Experimental studies and prediction algorithms are not available or were not evaluated, and the functional significance of this variant is currently unknown. This variant is located in the M band of TTN (PMID: 25589632). Non-truncating variants in this region may be relevant for neuromuscular disorders, but have not been definitively shown to cause cardiomyopathy (PMID: 23975875). In summary, the available evidence is currently insufficient to determine the role of this variant in disease. Therefore, it has been classified as a Variant of Uncertain Significance.

Literature cited by the submitters: PubMed 25589632; PubMed 23975875.